The following is an entry in ClinVar:

ClinVar aggregate classification (germline): Likely pathogenic. Review status: criteria provided, multiple submitters, no conflicts (2 of 4 stars). 3 submissions from 3 submitters: Likely pathogenic (2). 1 of the submissions does not count toward it. Last evaluated 2023-08-25.

Conditions:
Microcephaly 6, primary, autosomal recessive. Identifiers: Orphanet 2512, MedGen C1842109, MONDO:0012029, OMIM 608393.
Seckel syndrome 4 (SCKL4). Identifiers: Orphanet 808, MedGen C3888212, MONDO:0013358, OMIM 613676.

Allele frequency attached by ClinVar (database versions not stated): TOPMed below 0.00001; ExAC 0.00001; gnomAD 0.00001; gnomAD exomes 0.00001.
gnomAD v4.1: 9 of 1,600,490 alleles (0.00056%); highest among the groups gnomAD compares: South Asian, 0.0066%; 1 homozygote.

Submissions (3):

Labcorp Genetics (formerly Invitae), Labcorp
Classification: Likely pathogenic. Last evaluated: 2023-08-25. Review status: criteria provided, single submitter. Criteria: Invitae Variant Classification Sherloc (09022015). Collection method: clinical testing. Allele origin: germline.
Comment: In summary, the currently available evidence indicates that the variant is pathogenic, but additional data are needed to prove that conclusively. Therefore, this variant has been classified as Likely Pathogenic. Algorithms developed to predict the effect of sequence changes on RNA splicing suggest that this variant may disrupt the consensus splice site. ClinVar contains an entry for this variant (Variation ID: 417856). This variant has not been reported in the literature in individuals affected with CENPJ-related conditions. This variant is present in population databases (rs763715733, gnomAD 0.006%). This sequence change affects an acceptor splice site in intron 12 of the CENPJ gene. It is expected to disrupt RNA splicing. Variants that disrupt the donor or acceptor splice site typically lead to a loss of protein function (PMID: 16199547), and loss-of-function variants in CENPJ are known to be pathogenic (PMID: 15793586, 16900296, 20522431).

Neuberg Centre For Genomic Medicine, NCGM
Classification: Likely pathogenic for Microcephaly 6, primary, autosomal recessive. Last evaluated: 2023-07-22. Review status: criteria provided, single submitter. Criteria: ACMG Guidelines, 2015. Collection method: clinical testing. Allele origin: germline. Inheritance: Autosomal recessive inheritance. Affected: yes.
Comment: The observed splice acceptor variant c.3367-1G>A in CENPJ gene has not been reported previously as a pathogenic variant nor as a benign variant, to our knowledge. This variant is reported with 0.001% allele frequency in gnomAD Exomes. It has been submitted to ClinVar as Likely Pathogenic. This variant is predicted to cause loss of normal protein function through protein truncation. Loss of function variants have been previously reported to be disease causing Al-Dosari MS, et al., 2010. For these reasons, this variant has been classified as Likely Pathogenic. In the absence of another reportable variant, the molecular diagnosis is not confirmed

Division of Human Genetics, Children's Hospital of Philadelphia
Classification: Likely pathogenic for Microcephaly 6, primary, autosomal recessive; Seckel syndrome 4. Last evaluated: 2016-08-15. Review status: no assertion criteria provided. Collection method: research. Allele origin: paternal. Affected: yes. Study: CSER-PediSeq. Not counted in ClinVar's aggregate classification.

Literature cited by the submitters: PubMed 16199547 (cited by Labcorp Genetics (formerly Invitae), Labcorp); PubMed 15793586 (cited by Labcorp Genetics (formerly Invitae), Labcorp); PubMed 16900296 (cited by Labcorp Genetics (formerly Invitae), Labcorp); PubMed 20522431 (cited by Labcorp Genetics (formerly Invitae), Labcorp).

NM_018451.5(CPAP):c.3367-1G>A

Genes: RNF17 (ring finger protein 17; plus strand), CPAP (centrosome assembly and centriole elongation protein; minus strand). Cytogenetic location: 13q12.12.
Variant type: single nucleotide variant.
Coding change: c.3367-1G>A on transcript NM_018451.5 (MANE Select); the canonical splice acceptor site of the intron before coding-DNA position 3367, G replaced by A.
Molecular consequence: splice acceptor variant.
Genome position (GRCh38, 1-based): chr13:24,885,387, C>T on the plus strand (G>A on the coding strand, the complement: CPAP is on the minus strand). VCF-style: chr13-24885387-C-T. GRCh37 (hg19) VCF-style: chr13-25459525-C-T.
Identifiers: ClinVar variation 417856 (VCV000417856.5), dbSNP rs763715733, ClinGen allele CA6919297.